The following is an entry in ClinVar:

NM_144997.7(FLCN):c.1062+5_1062+6delinsTT

Gene: FLCN (folliculin; minus strand). Cytogenetic location: 17p11.2.
Variant type: Indel.
Coding change: c.1062+5_1062+6delinsTT on transcript NM_144997.7 (MANE Select); bases 5 to 6 of the intron after coding-DNA position 1062, GC replaced by TT.
Molecular consequence: intron variant.
Genome position (GRCh38, 1-based): chr17:17,219,013-17,219,014, GC replaced by AA on the plus strand (GC replaced by TT on the coding strand, the reverse complement: FLCN is on the minus strand). VCF-style: chr17-17219013-GC-AA. GRCh37 (hg19) VCF-style: chr17-17122327-GC-AA.
Other names: c.1062+5_1062+6delinsTT (NM_001353231.2, NM_001353230.2); c.1116+5_1116+6delinsTT (NM_001353229.2).
Identifiers: ClinVar variation 1369428 (VCV001369428.6), dbSNP rs2144892935, ClinGen allele CA2573153084.

ClinVar aggregate classification (germline): Uncertain significance (1 of 4 stars; one submission).

Conditions:
Birt-Hogg-Dube syndrome. Also called: Birt Hogg Dubé syndrome. Identifiers: Orphanet 122, MedGen C0346010, MONDO:0800444.

Submission:

Labcorp Genetics (formerly Invitae), Labcorp
Classification: Uncertain significance for Birt-Hogg-Dube syndrome. Last evaluated: 2025-11-23. Review status: criteria provided, single submitter. Criteria: Invitae Variant Classification Sherloc (09022015). Collection method: clinical testing. Allele origin: germline.
Comment: This sequence change falls in intron 9 of the FLCN gene. It does not directly change the encoded amino acid sequence of the FLCN protein. It affects a nucleotide within the consensus splice site. Information on the frequency of this variant in the gnomAD database is not available, as this variant may be reported differently in the database. This variant has not been reported in the literature in individuals affected with FLCN-related conditions. ClinVar contains an entry for this variant (Variation ID: 1369428). Variants that disrupt the consensus splice site are a relatively common cause of aberrant splicing (PMID: 17576681, 9536098). In summary, the available evidence is currently insufficient to determine the role of this variant in disease. Therefore, it has been classified as a Variant of Uncertain Significance.

Literature cited by the submitters: PubMed 17576681; PubMed 9536098.